The following is an entry in ClinVar:

ClinVar aggregate classification (germline): Uncertain significance (1 of 4 stars; one submission).

Submission:

GeneDx
Classification: Uncertain significance. Last evaluated: 2025-06-12. Review status: criteria provided, single submitter. Criteria: GeneDx Variant Classification Process June 2021. Collection method: clinical testing. Allele origin: germline. Affected: yes.
Comment: Not observed at significant frequency in large population cohorts (gnomAD); Has not been previously published as pathogenic or benign to our knowledge; Although this variant is predicted to cause loss of normal protein function, current evidence indicates that variants in exon 32 (referred to as exon 31 by alternate numbering) are unlikely to cause tuberous sclerosis (TS) (PMID: 26703369). Specifically, loss-of-function variants in this exon have been identified in the published literature and at GeneDx in individuals who do not have features of TSC (PMID: 26703369); RNA expression analysis demonstrates an abundance of transcripts lacking this exon in multiple normal tissue types from healthy adults, and in vitro studies indicate that this exon is not essential for normal functional activity of the TSC complex (PMID: 26703369); This variant is associated with the following publications: (PMID: 26703369)

NM_000548.5(TSC2):c.3880dup (p.Ala1294fs)

Gene: TSC2 (TSC complex subunit 2; plus strand). Cytogenetic location: 16p13.3.
Variant type: Duplication.
Coding change: c.3880dup on transcript NM_000548.5 (MANE Select); coding-DNA position 3880, one base duplicated (G; older notation c.3880dupG).
Protein change: p.Ala1294fs; shifts the reading frame from alanine 1294.
Molecular consequence: frameshift variant. On other transcripts: non-coding transcript variant (1), intron variant (33).
Genome position (GRCh38, 1-based): chr16:2,082,501, G duplicated; the last of 3 consecutive G bases (chr16:2,082,499-2,082,501); duplicating any one gives the same sequence. VCF-style (leftmost placement, unchanged base first): chr16-2082498-T-TG. GRCh37 (hg19) VCF-style: chr16-2132499-T-TG.
Other names: c.3148dup, p.Ala1050fs (NM_001318831.2); c.3748dup, p.Ala1250fs (NM_001370404.1, NM_001406665.1); c.3751dup, p.Ala1251fs (NM_001370405.1, NM_021055.3); c.3877dup, p.Ala1293fs (NM_001406663.1); c.3280dup, p.Ala1094fs (NM_001406680.1); c.2407dup, p.Ala803fs (NM_001406690.1); c.2404dup, p.Ala802fs (NM_001406691.1); c.2341+703dup (NM_001406693.1, NM_001406692.1, NM_001406694.1); and 25 more; short protein forms A1050fs, A1094fs, A1250fs, A1251fs, A1293fs, A1294fs, A802fs, A803fs.
Identifiers: ClinVar variation 4537583 (VCV004537583.1).